The following is an entry in ClinVar:

ClinVar aggregate classification (germline): Uncertain significance (1 of 4 stars; one submission).

Submission:

Labcorp Genetics (formerly Invitae), Labcorp
Classification: Uncertain significance for Combined immunodeficiency due to DOCK8 deficiency. Last evaluated: 2022-07-23. Review status: criteria provided, single submitter. Criteria: Invitae Variant Classification Sherloc (09022015). Collection method: clinical testing. Allele origin: germline.
Comment: In summary, the available evidence is currently insufficient to determine the role of this variant in disease. Therefore, it has been classified as a Variant of Uncertain Significance. Algorithms developed to predict the effect of missense changes on protein structure and function are either unavailable or do not agree on the potential impact of this missense change (SIFT: "Tolerated"; PolyPhen-2: "Probably Damaging"; Align-GVGD: "Class C0"). This variant has not been reported in the literature in individuals affected with DOCK8-related conditions. This variant is not present in population databases (gnomAD no frequency). This sequence change replaces glycine, which is neutral and non-polar, with alanine, which is neutral and non-polar, at codon 1798 of the DOCK8 protein (p.Gly1798Ala).

NM_203447.4(DOCK8):c.5393G>C (p.Gly1798Ala)

Gene: DOCK8 (dedicator of cytokinesis 8; plus strand). Cytogenetic location: 9p24.3.
Variant type: single nucleotide variant.
Coding change: c.5393G>C on transcript NM_203447.4 (MANE Select); coding-DNA position 5393, G replaced by C.
Protein change: p.Gly1798Ala; replaces glycine 1798 with alanine.
Molecular consequence: missense variant.
Genome position (GRCh38, 1-based): chr9:441,912, G>C. VCF-style: chr9-441912-G-C. GRCh37 (hg19) VCF-style: chr9-441912-G-C.
Other names: c.5093G>C, p.Gly1698Ala (NM_001190458.2); c.5189G>C, p.Gly1730Ala (NM_001193536.2); short protein forms G1698A, G1730A, G1798A.
Identifiers: ClinVar variation 1713610 (VCV001713610.5), dbSNP rs2537435833, ClinGen allele CA372768316.